The following is an entry in ClinVar:

NM_002693.3(POLG):c.3483-19T>G

Gene: POLG (DNA polymerase gamma, catalytic subunit; minus strand). Cytogenetic location: 15q26.1.
Variant type: single nucleotide variant.
Coding change: c.3483-19T>G on transcript NM_002693.3 (MANE Select); 19 bases into the intron before coding-DNA position 3483, T replaced by G.
Molecular consequence: intron variant.
Genome position (GRCh38, 1-based): chr15:89,317,555, A>C on the plus strand (T>G on the coding strand, the complement: POLG is on the minus strand). VCF-style: chr15-89317555-A-C. GRCh37 (hg19) VCF-style: chr15-89860786-A-C.
Other names: p.?; c.3483-19T>G (NM_001126131.2).
Identifiers: ClinVar variation 138763 (VCV000138763.22), dbSNP rs2307438, ClinGen allele CA292852.

ClinVar aggregate classification (germline): Benign/Likely benign. Review status: criteria provided, multiple submitters, no conflicts (2 of 4 stars). 16 submissions from 12 submitters: Benign (13); Likely benign (1). 2 of the submissions do not count toward it. Last evaluated 2026-02-04.

Conditions:
Progressive sclerosing poliodystrophy (MTDPS4A). Also called: Alpers Syndrome; Mitochondrial DNA depletion syndrome 4A (Alpers type); Alpers-Huttenlocher Syndrome (AHS); ALPERS PROGRESSIVE INFANTILE POLIODYSTROPHY; Mitochondrial DNA Depletion Syndrome 4A; NEURONAL DEGENERATION OF CHILDHOOD WITH LIVER DISEASE, PROGRESSIVE. Identifiers: Orphanet 726, MedGen C0205710, MONDO:0008758, OMIM 203700.
Progressive external ophthalmoplegia with mitochondrial DNA deletions, autosomal dominant 1 (PEOA1). Also called: Autosomal Dominant Progressive External Ophthalmoplegia (adPEO); PROGRESSIVE EXTERNAL OPHTHALMOPLEGIA, AUTOSOMAL DOMINANT 1. Identifiers: MedGen C1834846, MONDO:0024528, OMIM 157640.
Mitochondrial DNA depletion syndrome 4b. Also called: Mitochondrial Neurogastrointestinal Encephalopathy Disease, POLG-Related; MNGIE, POLG-RELATED. Identifiers: Orphanet 298, MedGen C3150914, MONDO:0013350, OMIM 613662.
Progressive external ophthalmoplegia with mitochondrial DNA deletions, autosomal recessive 1 (PEOB1). Also called: Progressive external ophthalmoplegia, autosomal recessive 1; Autosomal Recessive Progressive External Ophthalmoplegia (arPEO). Identifiers: Orphanet 254886, MedGen C4225153, MONDO:0009783, OMIM 258450.
Sensory ataxic neuropathy, dysarthria, and ophthalmoparesis (SANDO). Also called: Ataxia Neuropathy Spectrum (ANS); Sensory ataxic neuropathy-dysarthria-ophthalmoparesis syndrome; SENSORY ATAXIC NEUROPATHY WITH MITOCHONDRIAL DNA DELETIONS, AUTOSOMAL RECESSIVE; Epilepsy, progressive myoclonic, type 5. Identifiers: Orphanet 70595, MedGen C1843851, MONDO:0011835, OMIM 607459.

Allele frequency attached by ClinVar (database versions not stated): gnomAD exomes 0.39887 and 0.42091; 1000 Genomes Project 0.41993; ExAC 0.42095; 1000 Genomes Project 30x 0.42520; ESP Exome Variant Server 0.43545; gnomAD 0.43817 and 0.44213; TOPMed 0.43995.

Submissions (18):

Labcorp Genetics (formerly Invitae), Labcorp
Classification: Benign for Progressive sclerosing poliodystrophy. Last evaluated: 2026-02-04. Review status: criteria provided, single submitter. Criteria: Invitae Variant Classification Sherloc (09022015). Collection method: clinical testing. Allele origin: germline.

Women's Health and Genetics/Laboratory Corporation of America, LabCorp
Classification: Benign. Last evaluated: 2025-07-28. Review status: criteria provided, single submitter. Criteria: LabCorp Variant Classification Summary - May 2015. Collection method: clinical testing. Allele origin: germline.

Blueprint Genetics
Classification: Likely benign. Last evaluated: 2024-11-27. Review status: criteria provided, single submitter. Criteria: ACMG Guidelines, 2015. Collection method: clinical testing. Allele origin: germline.

Unidad de Genómica Garrahan, Hospital de Pediatría Garrahan
Classification: Benign. Last evaluated: 2024-07-15. Review status: criteria provided, single submitter. Criteria: ACMG Guidelines, 2015. Collection method: clinical testing. Allele origin: germline. Affected: no. Observed: 59 variant alleles.
Comment: This variant is classified as Benign based on local population frequency. This variant was detected in 63% of patients studied in a panel designed for Epileptic and Developmental Encephalopathy and Progressive Myoclonus Epilepsy. Number of patients: 59. Only high quality variants are reported.

Mayo Clinic Laboratories, Mayo Clinic
Classification: Benign. Last evaluated: 2022-05-05. Review status: criteria provided, single submitter. Criteria: ACMG Guidelines, 2015. Collection method: clinical testing. Allele origin: germline. Observed: 404 variant alleles.

Genome-Nilou Lab
Classification: Benign for Progressive sclerosing poliodystrophy. Last evaluated: 2021-10-25. Review status: criteria provided, single submitter. Criteria: ACMG Guidelines, 2015. Collection method: clinical testing. Allele origin: germline. Affected: no.

Genome-Nilou Lab
Classification: Benign for Mitochondrial DNA depletion syndrome 4b. Last evaluated: 2021-10-25. Review status: criteria provided, single submitter. Criteria: ACMG Guidelines, 2015. Collection method: clinical testing. Allele origin: germline. Affected: no.

Genome-Nilou Lab
Classification: Benign for Sensory ataxic neuropathy, dysarthria, and ophthalmoparesis. Last evaluated: 2021-10-25. Review status: criteria provided, single submitter. Criteria: ACMG Guidelines, 2015. Collection method: clinical testing. Allele origin: germline. Affected: no.

Genome-Nilou Lab
Classification: Benign for Progressive external ophthalmoplegia with mitochondrial DNA deletions, autosomal dominant 1. Last evaluated: 2021-10-25. Review status: criteria provided, single submitter. Criteria: ACMG Guidelines, 2015. Collection method: clinical testing. Allele origin: germline. Affected: no.

Genome-Nilou Lab
Classification: Benign for Progressive external ophthalmoplegia with mitochondrial DNA deletions, autosomal recessive 1. Last evaluated: 2021-10-25. Review status: criteria provided, single submitter. Criteria: ACMG Guidelines, 2015. Collection method: clinical testing. Allele origin: germline. Affected: no.

GeneDx
Classification: Benign. Last evaluated: 2019-07-25. Review status: criteria provided, single submitter. Criteria: GeneDx Variant Classification Process June 2021. Collection method: clinical testing. Allele origin: germline. Affected: yes.

Wong Mito Lab, Molecular and Human Genetics, Baylor College of Medicine
Classification: Benign for Progressive sclerosing poliodystrophy. Last evaluated: 2018-10-01. Review status: criteria provided, single submitter. Criteria: ACMG Guidelines, 2015. Collection method: clinical testing. Allele origin: germline.
Comment: The NM_002693.2:c.3483-19T>G (NP_002684.1:p.=) [GRCH38: NC_000015.10:g.89317555A>C] variant in POLG gene is interpretated to be a Benign based on ACMG guidelines (PMID: 25741868). This variant meets the following evidence codes reported in the ACMG-guideline. BA1:Minor allele frequency is too high for the Mitochondrial DNA depletion syndrome 4A (Alpers type). BP4:Computational evidence/predictors indicate no impact on the POLG structure, function, or protein-protein interaction. Based on the evidence criteria codes applied, the variant is suggested to be Benign.

Breakthrough Genomics
Classification: Benign. Review status: criteria provided, single submitter. Criteria: ACMG Guidelines, 2015. Collection method: not provided. Allele origin: germline. Inheritance: Autosomal recessive inheritance. Affected: yes.

PreventionGenetics, part of Exact Sciences
Classification: Benign. Review status: criteria provided, single submitter. Criteria: ACMG Guidelines, 2015. Collection method: clinical testing. Allele origin: germline.

Clinical Genetics DNA and cytogenetics Diagnostics Lab, Erasmus MC, Erasmus Medical Center
Classification: Benign. Review status: no assertion criteria provided. Collection method: clinical testing. Allele origin: germline. Affected: yes. Study: VKGL Data-share Consensus. Not counted in ClinVar's aggregate classification.

Dr. Peter K. Rogan Lab, Western University
No classification provided (evidence only). Condition: Familial cancer of breast. Review status: no classification provided. Collection method: in vitro. Allele origin: not applicable. Functional consequence: skipped exon. Not counted in ClinVar's aggregate classification.

Dr. Peter K. Rogan Lab, Western University
No classification provided (evidence only). Condition: Squamous cell carcinoma of the head and neck. Review status: no classification provided. Collection method: in vitro. Allele origin: not applicable. Functional consequence: retained intron. Not counted in ClinVar's aggregate classification.

Genome Diagnostics Laboratory, Amsterdam University Medical Center
Classification: Benign. Review status: no assertion criteria provided. Collection method: clinical testing. Allele origin: germline. Affected: yes. Study: VKGL Data-share Consensus. Not counted in ClinVar's aggregate classification.